The following is an entry in ClinVar:

ClinVar aggregate classification (germline): Uncertain significance (1 of 4 stars; one submission).

Conditions:
Cardiovascular phenotype. Identifiers: MedGen CN230736.

Allele frequency attached by ClinVar (database versions not stated): gnomAD exomes below 0.00001; TOPMed 0.00002.
gnomAD v4.1: 3 of 1,613,232 alleles (0.00019%); highest among the groups gnomAD compares: African/African-American, 0.0027%; no homozygotes.

Submission:

Ambry Genetics
Classification: Uncertain significance for Cardiovascular phenotype. Last evaluated: 2019-09-27. Review status: criteria provided, single submitter. Criteria: Ambry Variant Classification Scheme 2023. Collection method: clinical testing. Allele origin: germline.
Comment: The p.C1119S variant (also known as c.3356G>C), located in coding exon 19 of the SCN10A gene, results from a G to C substitution at nucleotide position 3356. The cysteine at codon 1119 is replaced by serine, an amino acid with dissimilar properties. This amino acid position is highly conserved in available vertebrate species. In addition, this alteration is predicted to be deleterious by in silico analysis. Since supporting evidence is limited at this time, the clinical significance of this alteration remains unclear.

NM_006514.4(SCN10A):c.3356G>C (p.Cys1119Ser)

Genes: SCN10A (sodium voltage-gated channel alpha subunit 10; minus strand), LOC110121288 (VISTA enhancer hs2268; plus strand). Cytogenetic location: 3p22.2.
Variant type: single nucleotide variant.
Coding change: c.3356G>C on transcript NM_006514.4 (MANE Select); coding-DNA position 3356, G replaced by C.
Protein change: p.Cys1119Ser; replaces cysteine 1119 with serine.
Molecular consequence: missense variant.
Genome position (GRCh38, 1-based): chr3:38,722,409, C>G on the plus strand (G>C on the coding strand, the complement: SCN10A is on the minus strand). VCF-style: chr3-38722409-C-G. GRCh37 (hg19) VCF-style: chr3-38763900-C-G.
Other names: c.3353G>C, p.Cys1118Ser (NM_001293306.2); c.3062G>C, p.Cys1021Ser (NM_001293307.2); short protein forms C1021S, C1119S, C1118S.
Identifiers: ClinVar variation 1730548 (VCV001730548.2), dbSNP rs990959866, ClinGen allele CA72957821.